The following is an entry in ClinVar:

NM_015450.3(POT1):c.702+8A>T

Gene: POT1 (protection of telomeres 1; minus strand). Cytogenetic location: 7q31.33.
Variant type: single nucleotide variant.
Coding change: c.702+8A>T on transcript NM_015450.3 (MANE Select); 8 bases into the intron after coding-DNA position 702, A replaced by T.
Molecular consequence: intron variant.
Genome position (GRCh38, 1-based): chr7:124,858,949, T>A on the plus strand (A>T on the coding strand, the complement: POT1 is on the minus strand). VCF-style: chr7-124858949-T-A. GRCh37 (hg19) VCF-style: chr7-124499003-T-A.
Other names: p.?; c.309+8A>T (NM_001042594.2).
Identifiers: ClinVar variation 516583 (VCV000516583.12), dbSNP rs6959712, ClinGen allele CA4465392.

ClinVar aggregate classification (germline): Benign/Likely benign. Review status: criteria provided, multiple submitters, no conflicts (2 of 4 stars). 5 submissions from 5 submitters: Benign (4); Likely benign (1). Last evaluated 2025-03-18.

Conditions:
Tumor predisposition syndrome 3 (TPDS3). Also called: Glioma susceptibility 9; LONG TELOMERE SYNDROME, POT1-RELATED; POT1 Tumor Predisposition; Melanoma, cutaneous malignant, susceptibility to, 10. Identifiers: Orphanet 618, MedGen C4014476, MONDO:0014368, OMIM 615848.

Allele frequency attached by ClinVar (database versions not stated): ExAC 0.59008; gnomAD 0.60081 and 0.60125; gnomAD exomes 0.60124 and 0.58221; ESP Exome Variant Server 0.15070; 1000 Genomes Project 0.58247; 1000 Genomes Project 30x 0.58260; TOPMed 0.60552.
gnomAD v4.1: 945,498 of 1,573,796 alleles (60%); highest among the groups gnomAD compares: African/African-American, 65%; 285,541 homozygotes.

Submissions (5):

Labcorp Genetics (formerly Invitae), Labcorp
Classification: Benign for Tumor predisposition syndrome 3. Last evaluated: 2025-03-18. Review status: criteria provided, single submitter. Criteria: Invitae Variant Classification Sherloc (09022015). Collection method: clinical testing. Allele origin: germline.

Blueprint Genetics
Classification: Likely benign. Last evaluated: 2024-11-27. Review status: criteria provided, single submitter. Criteria: ACMG Guidelines, 2015. Collection method: clinical testing. Allele origin: germline.

Mayo Clinic Laboratories, Mayo Clinic
Classification: Benign. Last evaluated: 2022-09-06. Review status: criteria provided, single submitter. Criteria: ACMG Guidelines, 2015. Collection method: clinical testing. Allele origin: germline. Observed: 553 variant alleles.

GeneDx
Classification: Benign. Last evaluated: 2017-10-11. Review status: criteria provided, single submitter. Criteria: GeneDx Variant Classification (06012015). Collection method: clinical testing. Allele origin: germline. Affected: yes.
Comment: This variant is considered likely benign or benign based on one or more of the following criteria: it is a conservative change, it occurs at a poorly conserved position in the protein, it is predicted to be benign by multiple in silico algorithms, and/or has population frequency not consistent with disease.

Breakthrough Genomics
Classification: Benign. Review status: criteria provided, single submitter. Criteria: ACMG Guidelines, 2015. Collection method: not provided. Allele origin: germline. Inheritance: Autosomal dominant inheritance. Affected: yes.